The following is an entry in ClinVar:

NM_015346.4(ZFYVE26):c.3172C>T (p.Arg1058Trp)

Gene: ZFYVE26 (zinc finger FYVE-type containing 26; minus strand). Cytogenetic location: 14q24.1.
Variant type: single nucleotide variant.
Coding change: c.3172C>T on transcript NM_015346.4 (MANE Select); coding-DNA position 3172, C replaced by T.
Protein change: p.Arg1058Trp; replaces arginine 1058 with tryptophan.
Molecular consequence: missense variant.
Genome position (GRCh38, 1-based): chr14:67,785,990, G>A on the plus strand (C>T on the coding strand, the complement: ZFYVE26 is on the minus strand). VCF-style: chr14-67785990-G-A. GRCh37 (hg19) VCF-style: chr14-68252707-G-A.
Other names: short protein forms R1058W.
Identifiers: ClinVar variation 569589 (VCV000569589.7), dbSNP rs200775182, ClinGen allele CA7240059.

ClinVar aggregate classification (germline): Uncertain significance. Review status: criteria provided, multiple submitters, no conflicts (2 of 4 stars). 5 submissions from 5 submitters: Uncertain significance (5). Last evaluated 2025-05-05.

Conditions:
Hereditary spastic paraplegia 15 (SPG15). Also called: SPASTIC PARAPLEGIA 15, AUTOSOMAL RECESSIVE; KJELLIN SYNDROME; SPASTIC PARAPLEGIA AND RETINAL DEGENERATION. Identifiers: Orphanet 100996, MedGen C1849128, MONDO:0010044, OMIM 270700.
Spastic paraplegia. Identifiers: MedGen C0037772, HP:0001258.

Allele frequency attached by ClinVar (database versions not stated): gnomAD 0.00002 and 0.00003; gnomAD exomes 0.00003 and 0.00004; ExAC 0.00004; TOPMed 0.00004; 1000 Genomes Project 0.00020; 1000 Genomes Project 30x 0.00031.
gnomAD v4.1: 65 of 1,614,190 alleles (0.004%); highest among the groups gnomAD compares: Admixed American, 0.01%; no homozygotes.

Submissions (5):

GeneDx
Classification: Uncertain significance. Last evaluated: 2025-05-05. Review status: criteria provided, single submitter. Criteria: GeneDx Variant Classification Process June 2021. Collection method: clinical testing. Allele origin: germline. Affected: yes.
Comment: Reported previously in control samples and not seen in cases from a cohort of patients with schizophrenia (PMID: 26740555); Not observed at significant frequency in large population cohorts (gnomAD); In silico analysis suggests that this missense variant does not alter protein structure/function; This variant is associated with the following publications: (PMID: 28719003, 26740555)

Blueprint Genetics
Classification: Uncertain significance. Last evaluated: 2024-03-02. Review status: criteria provided, single submitter. Criteria: ACMG Guidelines, 2015. Collection method: clinical testing. Allele origin: germline.

Labcorp Genetics (formerly Invitae), Labcorp
Classification: Uncertain significance for Spastic paraplegia. Last evaluated: 2021-12-24. Review status: criteria provided, single submitter. Criteria: Invitae Variant Classification Sherloc (09022015). Collection method: clinical testing. Allele origin: germline.
Comment: This sequence change replaces arginine, which is basic and polar, with tryptophan, which is neutral and slightly polar, at codon 1058 of the ZFYVE26 protein (p.Arg1058Trp). This variant is present in population databases (rs200775182, gnomAD 0.009%). This variant has not been reported in the literature in individuals affected with ZFYVE26-related conditions. ClinVar contains an entry for this variant (Variation ID: 569589). Algorithms developed to predict the effect of missense changes on protein structure and function are either unavailable or do not agree on the potential impact of this missense change (SIFT: "Deleterious"; PolyPhen-2: "Probably Damaging"; Align-GVGD: "Class C0"). In summary, the available evidence is currently insufficient to determine the role of this variant in disease. Therefore, it has been classified as a Variant of Uncertain Significance.

Victorian Clinical Genetics Services, Murdoch Childrens Research Institute
Classification: Uncertain significance for Hereditary spastic paraplegia 15. Last evaluated: 2020-10-19. Review status: criteria provided, single submitter. Criteria: ACMG Guidelines, 2015. Collection method: clinical testing. Allele origin: germline. Inheritance: Autosomal recessive inheritance. Affected: yes.
Comment: Based on the classification scheme VCGS_Germline_v1.3.3, this variant is classified as 3B-VUS. Following criteria are met: 0102 - Loss of function is a known mechanism of disease in this gene and is associated with spastic paraplegia 15 (MIM#270700). (I) 0106 - This gene is associated with autosomal recessive disease. (I) 0200 - Variant is predicted to result in a missense amino acid change from arginine to tryptophan. (I) 0251 - This variant is heterozygous. (I) 0304 - Variant is present in gnomAD (v2) <0.01 for a recessive condition (8 heterozygotes, 0 homozygotes). (SP) 0309 - An alternative amino acid change at the same position has been observed in gnomAD (v2) (10 heterozygotes, 0 homozygotes). (I) 0501 - Missense variant consistently predicted to be damaging by multiple in silico tools or highly conserved with a major amino acid change. (SP) 0604 - Variant is not located in an established domain, motif, hotspot or informative constraint region. (I) 0705 - No comparable missense variants have previous evidence for pathogenicity. (I) 0809 - Previous evidence of pathogenicity for this variant is inconclusive. The variant has previously been classified as a VUS (ClinVar). (I) 0905 - No published segregation evidence has been identified for this variant. (I) 1007 - No published functional evidence has been identified for this variant. (I) 1208 - Inheritance information for this variant is not currently available in this individual. (I) Legend: (SP) - Supporting pathogenic, (I) - Information, (SB) - Supporting benign

Breakthrough Genomics
Classification: Uncertain significance. Review status: criteria provided, single submitter. Criteria: ACMG Guidelines, 2015. Collection method: not provided. Allele origin: germline. Inheritance: Autosomal recessive inheritance. Affected: yes.